The following is an entry in ClinVar:

ClinVar aggregate classification (germline): Uncertain significance. Review status: criteria provided, multiple submitters, no conflicts (2 of 4 stars). 4 submissions from 4 submitters: Uncertain significance (4). Last evaluated 2025-08-24.

Conditions:
Autosomal recessive limb-girdle muscular dystrophy type 2Q (LGMDR17). Also called: MUSCULAR DYSTROPHY, LIMB-GIRDLE, AUTOSOMAL RECESSIVE 17. Identifiers: Orphanet 254361, MedGen C3150989, MONDO:0013390, OMIM 613723.
Epidermolysis bullosa simplex 5B, with muscular dystrophy (EBS5B). Also called: EPIDERMOLYSIS BULLOSA SIMPLEX AND LIMB-GIRDLE MUSCULAR DYSTROPHY; Epidermolysis bullosa simplex with muscular dystrophy. Identifiers: Orphanet 257, MedGen C2931072, MONDO:0009181, OMIM 226670.
Epidermolysis bullosa simplex with nail dystrophy (EBS5D). Identifiers: MedGen C4225309, MONDO:0014661, OMIM 616487.
Epidermolysis bullosa simplex 5C, with pyloric atresia (EBS5C). Also called: PLEC-Related Epidermolysis Bullosa with Pyloric Atresia; PLEC1-Related Epidermolysis Bullosa with Pyloric Atresia; Epidermolysis bullosa simplex with pyloric atresia. Identifiers: Orphanet 158684, MedGen C2677349, MONDO:0012807, OMIM 612138.
Epidermolysis bullosa simplex, Ogna type (EBS5A). Also called: Pidermolysis bullosa simplex 5A, Ogna type; EPIDERMOLYSIS BULLOSA SIMPLEX 5A, OGNA TYPE. Identifiers: Orphanet 79401, MedGen C0432317, MONDO:0007555, OMIM 131950.

Submissions (4):

Labcorp Genetics (formerly Invitae), Labcorp
Classification: Uncertain significance for Autosomal recessive limb-girdle muscular dystrophy type 2Q; Epidermolysis bullosa simplex, Ogna type; Epidermolysis bullosa simplex with nail dystrophy; Epidermolysis bullosa simplex 5C, with pyloric atresia; Epidermolysis bullosa simplex 5B, with muscular dystrophy. Last evaluated: 2025-08-24. Review status: criteria provided, single submitter. Criteria: Invitae Variant Classification Sherloc (09022015). Collection method: clinical testing. Allele origin: germline.
Comment: This sequence change replaces glycine, which is neutral and non-polar, with alanine, which is neutral and non-polar, at codon 3386 of the PLEC protein (p.Gly3386Ala). This variant is not present in population databases (gnomAD no frequency). This variant has not been reported in the literature in individuals affected with PLEC-related conditions. ClinVar contains an entry for this variant (Variation ID: 284253). An algorithm developed to predict the effect of missense changes on protein structure and function (PolyPhen-2) suggests that this variant is likely to be disruptive. In summary, the available evidence is currently insufficient to determine the role of this variant in disease. Therefore, it has been classified as a Variant of Uncertain Significance.

Blueprint Genetics
Classification: Uncertain significance. Last evaluated: 2022-05-24. Review status: criteria provided, single submitter. Criteria: ACMG Guidelines, 2015. Collection method: clinical testing. Allele origin: germline.

Revvity Omics, Revvity
Classification: Uncertain significance. Last evaluated: 2019-01-10. Review status: criteria provided, single submitter. Criteria: ACMG Guidelines, 2015. Collection method: clinical testing. Allele origin: germline.

Eurofins Ntd Llc (ga)
Classification: Uncertain significance. Last evaluated: 2015-11-10. Review status: criteria provided, single submitter. Criteria: EGL Classification Definitions 2015. Collection method: clinical testing. Allele origin: germline. Observed: 1 variant allele, 1 heterozygote.

NM_201384.3(PLEC):c.10076G>C (p.Gly3359Ala)

Gene: PLEC (plectin; minus strand). Cytogenetic location: 8q24.3.
Variant type: single nucleotide variant.
Coding change: c.10076G>C on transcript NM_201384.3 (MANE Select); coding-DNA position 10076, G replaced by C.
Protein change: p.Gly3359Ala; replaces glycine 3359 with alanine.
Molecular consequence: missense variant.
Genome position (GRCh38, 1-based): chr8:143,919,745, C>G on the plus strand (G>C on the coding strand, the complement: PLEC is on the minus strand). VCF-style: chr8-143919745-C-G. GRCh37 (hg19) VCF-style: chr8-144993913-C-G.
Other names: c.10157G>C, p.Gly3386Ala (NM_000445.5); c.10034G>C, p.Gly3345Ala (NM_201378.4); c.10010G>C, p.Gly3337Ala (NM_201379.3); c.10487G>C, p.Gly3496Ala (NM_201380.4); c.9980G>C, p.Gly3327Ala (NM_201381.3); c.10076G>C, p.Gly3359Ala (NM_201382.4); c.10088G>C, p.Gly3363Ala (NM_201383.3); c.10157G>C (NM_000445.3); short protein forms G3345A, G3359A, G3363A, G3337A, G3327A, G3386A, G3496A.
Identifiers: ClinVar variation 284253 (VCV000284253.10), dbSNP rs886044825, ClinGen allele CA10604736.